The following is an entry in ClinVar:

NM_031935.3(HMCN1):c.2372-3C>T

Gene: HMCN1 (hemicentin 1; plus strand). Cytogenetic location: 1q31.1.
Variant type: single nucleotide variant.
Coding change: c.2372-3C>T on transcript NM_031935.3 (MANE Select); 3 bases into the intron before coding-DNA position 2372, C replaced by T.
Molecular consequence: intron variant.
Genome position (GRCh38, 1-based): chr1:185,977,784, C>T. VCF-style: chr1-185977784-C-T. GRCh37 (hg19) VCF-style: chr1-185946916-C-T.
Identifiers: ClinVar variation 294121 (VCV000294121.13), dbSNP rs186546131, ClinGen allele CA1291379.

ClinVar aggregate classification (germline): Likely benign. Review status: criteria provided, multiple submitters, no conflicts (2 of 4 stars). 3 submissions from 3 submitters: Likely benign (3). Last evaluated 2025-12-15.

Conditions:
Age related macular degeneration 1 (ARMD1). Also called: MACULOPATHY, AGE-RELATED, 1. Identifiers: MedGen C1864205, MONDO:0011285, OMIM 603075.

Allele frequency attached by ClinVar (database versions not stated): gnomAD exomes 0.00013 and 0.00045; ExAC 0.00055; gnomAD 0.00133 and 0.00139; TOPMed 0.00167; 1000 Genomes Project 0.00220; ESP Exome Variant Server 0.00231; 1000 Genomes Project 30x 0.00234.
gnomAD v4.1: 401 of 1,604,870 alleles (0.025%); highest among the groups gnomAD compares: African/African-American, 0.47%; 2 homozygotes.

Submissions (3):

Labcorp Genetics (formerly Invitae), Labcorp
Classification: Likely benign. Last evaluated: 2025-12-15. Review status: criteria provided, single submitter. Criteria: Invitae Variant Classification Sherloc (09022015). Collection method: clinical testing. Allele origin: germline.

Genome-Nilou Lab
Classification: Likely benign for Age related macular degeneration 1. Last evaluated: 2023-04-11. Review status: criteria provided, single submitter. Criteria: ACMG Guidelines, 2015. Collection method: clinical testing. Allele origin: germline. Affected: no.

Illumina Laboratory Services, Illumina
Classification: Likely benign for Age related macular degeneration 1. Last evaluated: 2018-01-13. Review status: criteria provided, single submitter. Criteria: ICSL Variant Classification Criteria 13 December 2019. Collection method: clinical testing. Allele origin: germline.
Comment: This variant was observed in the ICSL laboratory as part of a predisposition screen in an ostensibly healthy population. It had not been previously curated by ICSL or reported in the Human Gene Mutation Database (HGMD: prior to June 1st, 2018), and was therefore a candidate for classification through an automated scoring system. Utilizing variant allele frequency, disease prevalence and penetrance estimates, and inheritance mode, an automated score was calculated to assess if this variant is too frequent to cause the disease. Based on the score and internal cut-off values, a variant classified as likely benign is not then subjected to further curation. The score for this variant resulted in a classification of likely benign for this disease.